The following is an entry in ClinVar:

NM_001040108.2(MLH3):c.4012-15G>T

Gene: MLH3 (mutL homolog 3; minus strand). Cytogenetic location: 14q24.3.
Variant type: single nucleotide variant.
Coding change: c.4012-15G>T on transcript NM_001040108.2 (MANE Select); 15 bases into the intron before coding-DNA position 4012, G replaced by T.
Molecular consequence: intron variant.
Genome position (GRCh38, 1-based): chr14:75,022,907, C>A on the plus strand (G>T on the coding strand, the complement: MLH3 is on the minus strand). VCF-style: chr14-75022907-C-A. GRCh37 (hg19) VCF-style: chr14-75489610-C-A.
Other names: c.3940-15G>T (NM_014381.3).
Identifiers: ClinVar variation 5042282 (VCV005042282.1).

ClinVar aggregate classification (germline): Likely benign (1 of 4 stars; one submission).

Conditions:
Colorectal cancer, hereditary nonpolyposis, type 7. Identifiers: Orphanet 144, MedGen C1858380, MONDO:0013725, OMIM 614385.

gnomAD v4.1: 1 of 1,613,944 alleles (0.000062%); highest among the groups gnomAD compares: Non-Finnish European, 0.000085%; no homozygotes.

Submission:

Myriad Genetics, Inc.
Classification: Likely benign for Colorectal cancer, hereditary nonpolyposis, type 7. Last evaluated: 2026-09-11. Review status: criteria provided, single submitter. Criteria: Myriad Autosomal Dominant, Autosomal Recessive and X-Linked Classification Criteria (2023). Collection method: clinical testing. Allele origin: unknown.
Comment: This variant is considered likely benign. This variant is intronic and is not expected to impact mRNA splicing.